The following is an entry in ClinVar:

ClinVar aggregate classification (germline): Likely pathogenic. Review status: criteria provided, multiple submitters, no conflicts (2 of 4 stars). 2 submissions from 2 submitters: Likely pathogenic (2). Last evaluated 2026-09-08.

Conditions:
Fabry disease. Also called: CERAMIDE TRIHEXOSIDASE DEFICIENCY; GLA DEFICIENCY; HEREDITARY DYSTOPIC LIPIDOSIS; Ceramide trihexosidosis; Fabry's disease; ALPHA-GALACTOSIDASE A DEFICIENCY. Identifiers: Orphanet 324, MedGen C0002986, MONDO:0010526, OMIM 301500, HP:0001071. Disease mechanism: loss of function, Fabry disease is due to inactivating mutations in the X-linked GLA gene resulting in deficiency of the enzyme Alpha Galactosidase-A..

Submissions (2):

Genomenon, Inc
Classification: Likely pathogenic for Fabry disease. Last evaluated: 2026-09-08. Review status: criteria provided, single submitter. Criteria: Genomenon Sequence Variant Interpretation Standards - Updated. Collection method: curation. Allele origin: germline. Affected: yes.
Comment: GLA p.Ala121Pro (c.361G>C) is a missense variant that changes the amino acid at codon 121 from Alanine to Proline. This variant has been observed in at least one proband with clinical features consistent with Fabry disease (PMID:12778775;25511234). At least one functional study has demonstrated a substantial alteration in protein function relative to the wild-type (PMID:27657681). It is absent or not present at a significant frequency in gnomAD. In silico models predict that this variant is possibly or probably damaging. In conclusion, we classify GLA p.Ala121Pro (c.361G>C) as a likely pathogenic variant.

Labcorp Genetics (formerly Invitae), Labcorp
Classification: Likely pathogenic for Fabry disease. Last evaluated: 2025-05-08. Review status: criteria provided, single submitter. Criteria: Invitae Variant Classification Sherloc (09022015). Collection method: clinical testing. Allele origin: germline.
Comment: This sequence change replaces alanine, which is neutral and non-polar, with proline, which is neutral and non-polar, at codon 121 of the GLA protein (p.Ala121Pro). This variant is not present in population databases (gnomAD no frequency). This missense change has been observed in individual(s) with Fabry disease (PMID: 15100373; internal data). ClinVar contains an entry for this variant (Variation ID: 840073). Invitae Evidence Modeling of protein sequence and biophysical properties (such as structural, functional, and spatial information, amino acid conservation, physicochemical variation, residue mobility, and thermodynamic stability) indicates that this missense variant is expected to disrupt GLA protein function with a positive predictive value of 80%. In summary, the currently available evidence indicates that the variant is pathogenic, but additional data are needed to prove that conclusively. Therefore, this variant has been classified as Likely Pathogenic.

Literature cited by the submitters: PubMed 12778775 (cited by Genomenon, Inc); PubMed 25511234 (cited by Genomenon, Inc); PubMed 27657681 (cited by Genomenon, Inc); PubMed 15100373 (cited by Labcorp Genetics (formerly Invitae), Labcorp).

NM_000169.3(GLA):c.361G>C (p.Ala121Pro)

Genes: GLA (galactosidase alpha; minus strand), RPL36A-HNRNPH2 (RPL36A-HNRNPH2 readthrough; plus strand). Cytogenetic location: Xq22.1.
Variant type: single nucleotide variant.
Coding change: c.361G>C on transcript NM_000169.3 (MANE Select); coding-DNA position 361, G replaced by C.
Protein change: p.Ala121Pro; replaces alanine 121 with proline.
Molecular consequence: missense variant. On other transcripts: non-coding transcript variant (3), intron variant (2).
Genome position (GRCh38, 1-based): chrX:101,403,819, C>G on the plus strand (G>C on the coding strand, the complement: GLA is on the minus strand). VCF-style: chrX-101403819-C-G. GRCh37 (hg19) VCF-style: chrX-100658807-C-G.
Other names: c.484G>C, p.Ala162Pro (NM_001406747.1, NM_001406749.1); c.361G>C, p.Ala121Pro (NM_001406748.1); c.301-8117C>G (NM_001199973.2); c.178-8117C>G (NM_001199974.2); short protein forms A121P, A162P.
Identifiers: ClinVar variation 840073 (VCV000840073.12), dbSNP rs782197638, ClinGen allele CA413932808.
Genomic context (GRCh38, chrX:101,403,819, plus strand): 5'-CAGAAGTGCTTACAGTCCTCTGAATGAACAAGAACATTATCTATAAACTCACATAATTAG[C>G]TAGCTGGCGAATCCCATGAGGAAAGCGCTGAGGGTCTGCCTGAAGTCTGCCTTCTGAATC-3'
Protein context (NP_000160.1, residues 111-131): QRFPHGIRQL[Ala121Pro]NYVHSKGLKL